The following is an entry in ClinVar:

ClinVar aggregate classification (germline): Conflicting classifications of pathogenicity. Review status: criteria provided, conflicting classifications (1 of 4 stars). 4 submissions from 4 submitters: Uncertain significance (3); Likely benign (1). Last evaluated 2025-09-27.

Conditions:
Hereditary cancer-predisposing syndrome. Also called: Hereditary Cancer Syndrome; Neoplastic Syndromes, Hereditary; Tumor predisposition; Hereditary neoplastic syndrome. Identifiers: Orphanet 140162, MedGen C0027672, MeSH D009386, MONDO:0015356.
Hereditary breast ovarian cancer syndrome. Also called: Hereditary breast and ovarian cancer syndrome; Hereditary breast and ovarian cancer; Hereditary breast and ovarian cancer syndrome (HBOC); Breast and ovarian cancer; Hereditary breast and/or ovarian cancer syndrome; BRCA1- and BRCA2-Associated Hereditary Breast and Ovarian Cancer. Identifiers: Orphanet 145, MedGen C0677776, MeSH D061325, MONDO:0003582. Disease mechanism: loss of function.

Submissions (4):

Ambry Genetics
Classification: Uncertain significance for Hereditary cancer-predisposing syndrome. Last evaluated: 2025-09-27. Review status: criteria provided, single submitter. Criteria: Ambry Variant Classification Scheme 2023. Collection method: clinical testing. Allele origin: germline.
Comment: The p.G394V variant (also known as c.1181G>T), located in coding exon 9 of the BRCA1 gene, results from a G to T substitution at nucleotide position 1181. The glycine at codon 394 is replaced by valine, an amino acid with dissimilar properties. This amino acid position is poorly conserved in available vertebrate species. In addition, the in silico prediction for this alteration is inconclusive. Since supporting evidence is limited at this time, the clinical significance of this alteration remains unclear.

Labcorp Genetics (formerly Invitae), Labcorp
Classification: Uncertain significance for Hereditary breast ovarian cancer syndrome. Last evaluated: 2025-09-09. Review status: criteria provided, single submitter. Criteria: Invitae Variant Classification Sherloc (09022015). Collection method: clinical testing. Allele origin: germline.
Comment: This sequence change replaces glycine, which is neutral and non-polar, with valine, which is neutral and non-polar, at codon 394 of the BRCA1 protein (p.Gly394Val). This variant is not present in population databases (gnomAD no frequency). This variant has not been reported in the literature in individuals affected with BRCA1-related conditions. ClinVar contains an entry for this variant (Variation ID: 481471). Invitae Evidence Modeling of protein sequence and biophysical properties (such as structural, functional, and spatial information, amino acid conservation, physicochemical variation, residue mobility, and thermodynamic stability) indicates that this missense variant is not expected to disrupt BRCA1 protein function with a negative predictive value of 80%. In summary, the available evidence is currently insufficient to determine the role of this variant in disease. Therefore, it has been classified as a Variant of Uncertain Significance.

Women's Health and Genetics/Laboratory Corporation of America, LabCorp
Classification: Uncertain significance. Last evaluated: 2023-09-26. Review status: criteria provided, single submitter. Criteria: LabCorp Variant Classification Summary - May 2015. Collection method: clinical testing. Allele origin: germline.
Comment: Variant summary: BRCA1 c.1181G>T (p.Gly394Val) results in a non-conservative amino acid change located in the BRCA1, serine-rich domain (IPR025994) of the encoded protein sequence. Four of five in-silico tools predict a benign effect of the variant on protein function. The variant was absent in 250976 control chromosomes. The available data on variant occurrences in the general population are insufficient to allow any conclusion about variant significance. c.1181G>T has been reported in the literature in individuals affected with Hereditary Breast And Ovarian Cancer Syndrome (Cock-Rada_2017) without evidence for causality. This report does not provide unequivocal conclusions about association of the variant with Hereditary Breast And Ovarian Cancer Syndrome. To our knowledge, no experimental evidence demonstrating an impact on protein function has been reported. The following publication have been ascertained in the context of this evaluation (PMID: 28528518).Two submitters have cited clinical-significance assessments for this variant to ClinVar after 2014. One submitter classified the variant as likely benign, and one submitter classified the variant as uncertain significance. Based on the evidence outlined above, the variant was classified as uncertain significance.

University of Washington Department of Laboratory Medicine, University of Washington
Classification: Likely benign for Hereditary cancer-predisposing syndrome. Last evaluated: 2023-03-23. Review status: criteria provided, single submitter. Criteria: Dines et al. (Genet Med. 2020). Collection method: curation. Allele origin: germline.
Comment: Missense variant in a coldspot region where missense variants are very unlikely to be pathogenic (PMID:31911673).

BRCA1 coldspot (exon 11 using historical exon numbering). Reclassification based on statistical prior probability

Literature cited by the submitters: PubMed 28528518 (cited by Women's Health and Genetics/Laboratory Corporation of America, LabCorp).

NM_007294.4(BRCA1):c.1181G>T (p.Gly394Val)

Gene: BRCA1 (BRCA1 DNA repair associated; minus strand). Cytogenetic location: 17q21.31.
Variant type: single nucleotide variant.
Coding change: c.1181G>T on transcript NM_007294.4 (MANE Select); coding-DNA position 1181, G replaced by T.
Protein change: p.Gly394Val; replaces glycine 394 with valine.
Molecular consequence: missense variant. On other transcripts: intron variant (137).
Genome position (GRCh38, 1-based): chr17:43,094,350, C>A on the plus strand (G>T on the coding strand, the complement: BRCA1 is on the minus strand). VCF-style: chr17-43094350-C-A. GRCh37 (hg19) VCF-style: chr17-41246367-C-A.
Other names: c.968G>T, p.Gly323Val (NM_001407571.1, NM_001407853.1, NM_001407894.1 and 9 more transcripts); c.1181G>T, p.Gly394Val (NM_001407581.1, NM_001407582.1, NM_001407583.1 and 30 more transcripts); c.1178G>T, p.Gly393Val (NM_001407587.1, NM_001407590.1, NM_001407591.1 and 22 more transcripts); c.1172G>T, p.Gly391Val (NM_001407646.1, NM_001407647.1); c.1058G>T, p.Gly353Val (NM_001407648.1, NM_001407664.1, NM_001407665.1 and 19 more transcripts); c.1055G>T, p.Gly352Val (NM_001407649.1, NM_001407670.1, NM_001407671.1 and 11 more transcripts); c.1103G>T, p.Gly368Val (NM_001407653.1, NM_001407654.1, NM_001407655.1 and 4 more transcripts); c.1100G>T, p.Gly367Val (NM_001407659.1, NM_001407660.1, NM_001407661.1 and 1 more transcripts); and 40 more; short protein forms G394V, G347V, G282V, G305V, G326V, G346V, G391V, G226V.
Identifiers: ClinVar variation 481471 (VCV000481471.14), dbSNP rs1555592295, ClinGen allele CA10599687.